The following is an entry in ClinVar:

NM_002335.4(LRP5):c.4619C>T (p.Thr1540Met)

Gene: LRP5 (LDL receptor related protein 5; plus strand). Cytogenetic location: 11q13.2.
Variant type: single nucleotide variant.
Coding change: c.4619C>T on transcript NM_002335.4 (MANE Select); coding-DNA position 4619, C replaced by T.
Protein change: p.Thr1540Met; replaces threonine 1540 with methionine.
Molecular consequence: missense variant.
Genome position (GRCh38, 1-based): chr11:68,448,841, C>T. VCF-style: chr11-68448841-C-T. GRCh37 (hg19) VCF-style: chr11-68216309-C-T.
Other names: c.2876C>T, p.Thr959Met (NM_001291902.2); short protein forms T959M, T1540M.
Identifiers: ClinVar variation 813613 (VCV000813613.15), dbSNP rs141407040, ClinGen allele CA6150467.

ClinVar aggregate classification (germline): Conflicting classifications of pathogenicity. Review status: criteria provided, conflicting classifications (1 of 4 stars). 7 submissions from 7 submitters: Uncertain significance (2); Likely benign (4). 1 of the submissions does not count toward it. Last evaluated 2026-08-01.

Conditions:
Microcephaly. Also called: Microcephaly (disease). Identifiers: MedGen C4551563, MONDO:0001149, HP:0000252.
LRP5-related disorder. Also called: LRP5-related condition.
Osteoporosis with pseudoglioma (OPPG). Also called: osteoporosis-pseudoglioma syndrome. Identifiers: Orphanet 2788, MedGen C0432252, MONDO:0009820, OMIM 259770.

Allele frequency attached by ClinVar (database versions not stated): TOPMed 0.00005; gnomAD 0.00007 and 0.00013; ESP Exome Variant Server 0.00008; gnomAD exomes 0.00021 and 0.00027; ExAC 0.00032; 1000 Genomes Project 30x 0.00062; 1000 Genomes Project 0.00080.
gnomAD v4.1: 404 of 1,610,018 alleles (0.025%); highest among the groups gnomAD compares: East Asian, 0.86%; 3 homozygotes.

Submissions (7):

CeGaT Center for Human Genetics Tuebingen
Classification: Likely benign. Last evaluated: 2026-08-01. Review status: criteria provided, single submitter. Criteria: CeGaT Center For Human Genetics Tuebingen Variant Classification Criteria Version 2. Collection method: clinical testing. Allele origin: germline. Affected: yes. Observed: 1 variant allele.
Comment: LRP5: BS1

Labcorp Genetics (formerly Invitae), Labcorp
Classification: Likely benign. Last evaluated: 2025-09-08. Review status: criteria provided, single submitter. Criteria: Invitae Variant Classification Sherloc (09022015). Collection method: clinical testing. Allele origin: germline.

PreventionGenetics, part of Exact Sciences
Classification: Likely benign for LRP5-related condition. Last evaluated: 2025-03-20. Review status: criteria provided, single submitter. Criteria: ACMG Guidelines, 2015. Collection method: clinical testing. Allele origin: germline.
Comment: This variant is classified as likely benign based on ACMG/AMP sequence variant interpretation guidelines (Richards et al. 2015 PMID: 25741868, with internal and published modifications).

Women's Health and Genetics/Laboratory Corporation of America, LabCorp
Classification: Likely benign. Last evaluated: 2024-11-12. Review status: criteria provided, single submitter. Criteria: LabCorp Variant Classification Summary - May 2015. Collection method: clinical testing. Allele origin: germline.

Blueprint Genetics
Classification: Uncertain significance. Last evaluated: 2024-05-31. Review status: criteria provided, single submitter. Criteria: ACMG Guidelines, 2015. Collection method: clinical testing. Allele origin: germline.

Baylor Genetics
Classification: Uncertain significance for Osteoporosis with pseudoglioma. Last evaluated: 2018-03-20. Review status: criteria provided, single submitter. Criteria: ACMG Guidelines, 2015. Collection method: clinical testing. Allele origin: unknown. Affected: yes.
Comment: This variant was determined to be of uncertain significance according to ACMG Guidelines, 2015 [PMID:25741868].

Department of Pediatrics, Samsung Medical Center, Samsung Medical Center
Classification: Uncertain significance for Microcephaly. Review status: no assertion criteria provided. Criteria: ACMG Guidelines, 2015. Collection method: research. Allele origin: germline. Affected: yes. Not counted in ClinVar's aggregate classification.